The following is an entry in ClinVar:

ClinVar aggregate classification (germline): Uncertain significance (1 of 4 stars; one submission).

Conditions:
Intellectual developmental disorder with autism and macrocephaly. Also called: Autism, susceptibility to, 18; CHD8-Related Neurodevelopmental Disorder with Overgrowth. Identifiers: Orphanet 642675, MedGen C3554373, MONDO:0014017, OMIM 615032.

Submission:

Juno Genomics, Hangzhou Juno Genomics, Inc
Classification: Uncertain significance for Intellectual developmental disorder with autism and macrocephaly. Review status: criteria provided, single submitter. Criteria: ACMG Guidelines, 2015. Collection method: clinical testing. Allele origin: germline.
Comment: Absent from controls (or at extremely low frequency if recessive) in Genome Aggregation Database.;Multiple lines of computational evidence support a deleterious effect on the gene or gene product.;Missense variant in a gene that has a low rate of benign missense variation.

NM_001170629.2(CHD8):c.3631G>T (p.Ala1211Ser)

Gene: CHD8 (chromodomain helicase DNA binding protein 8; minus strand). Cytogenetic location: 14q11.2.
Variant type: single nucleotide variant.
Coding change: c.3631G>T on transcript NM_001170629.2 (MANE Select); coding-DNA position 3631, G replaced by T.
Protein change: p.Ala1211Ser; replaces alanine 1211 with serine.
Molecular consequence: missense variant.
Genome position (GRCh38, 1-based): chr14:21,403,100, C>A on the plus strand (G>T on the coding strand, the complement: CHD8 is on the minus strand). VCF-style: chr14-21403100-C-A. GRCh37 (hg19) VCF-style: chr14-21871259-C-A.
Other names: c.2794G>T, p.Ala932Ser (NM_020920.4); short protein forms A1211S, A932S.
Identifiers: ClinVar variation 5019463 (VCV005019463.2).
Genomic context (GRCh38, chr14:21,403,100, plus strand): 5'-AGTCTGAATCAAAGATGATGCAGGTATCAGCAGCTGTAAGATTAATACCAAGTCCACCAG[C>A]CCGGGTACACAGTAAGAAGACAAAGCGGTCTGAGTCAGGCTTGCTGAAGCGGTCAATGGC-3'
Protein context (NP_001164100.1, residues 1201-1221): DRFVFLLCTR[Ala1211Ser]GGLGINLTAA